The following is an entry in ClinVar:

NM_000361.3(THBD):c.1496C>T (p.Pro499Leu)

Gene: THBD (thrombomodulin; minus strand). Cytogenetic location: 20p11.21.
Variant type: single nucleotide variant.
Coding change: c.1496C>T on transcript NM_000361.3 (MANE Select); coding-DNA position 1496, C replaced by T.
Protein change: p.Pro499Leu; replaces proline 499 with leucine.
Molecular consequence: missense variant.
Genome position (GRCh38, 1-based): chr20:23,048,009, G>A on the plus strand (C>T on the coding strand, the complement: THBD is on the minus strand). VCF-style: chr20-23048009-G-A. GRCh37 (hg19) VCF-style: chr20-23028646-G-A.
Other names: short protein forms P499L.
Identifiers: ClinVar variation 2008677 (VCV002008677.4), dbSNP rs754426265, ClinGen allele CA408405400.

ClinVar aggregate classification (germline): Uncertain significance (1 of 4 stars; one submission).

Allele frequency attached by ClinVar (database versions not stated): TOPMed below 0.00001.

Submission:

Labcorp Genetics (formerly Invitae), Labcorp
Classification: Uncertain significance. Last evaluated: 2022-10-04. Review status: criteria provided, single submitter. Criteria: Invitae Variant Classification Sherloc (09022015). Collection method: clinical testing. Allele origin: germline.
Comment: This sequence change replaces proline, which is neutral and non-polar, with leucine, which is neutral and non-polar, at codon 499 of the THBD protein (p.Pro499Leu). This variant is not present in population databases (gnomAD no frequency). This variant has not been reported in the literature in individuals affected with THBD-related conditions. Advanced modeling of protein sequence and biophysical properties (such as structural, functional, and spatial information, amino acid conservation, physicochemical variation, residue mobility, and thermodynamic stability) performed at Invitae indicates that this missense variant is not expected to disrupt THBD protein function. In summary, the available evidence is currently insufficient to determine the role of this variant in disease. Therefore, it has been classified as a Variant of Uncertain Significance.